The following is an entry in ClinVar:

ClinVar aggregate classification (germline): Likely benign. Review status: criteria provided, multiple submitters, no conflicts (2 of 4 stars). 4 submissions from 3 submitters: Likely benign (4). Last evaluated 2024-11-26.

Conditions:
Haim-Munk syndrome (HMS). Also called: KERATOSIS PALMOPLANTARIS WITH PERIODONTOPATHIA AND ONYCHOGRYPOSIS; COCHIN JEWISH DISORDER. Identifiers: Orphanet 2342, MedGen C1855627, MONDO:0009491, OMIM 245010.
Papillon-Lefèvre syndrome (PALS). Also called: KERATOSIS PALMOPLANTARIS WITH PERIODONTOPATHIA; Papillon-Lefevre Disease. Identifiers: Orphanet 678, MedGen C0030360, MONDO:0009490, OMIM 245000.

Allele frequency attached by ClinVar (database versions not stated): ESP Exome Variant Server 0.00081; gnomAD 0.00163; TOPMed 0.00220; gnomAD exomes 0.00334; ExAC 0.00382; 1000 Genomes Project 0.00559; 1000 Genomes Project 30x 0.00578.
gnomAD v4.1: 3,000 of 1,548,644 alleles (0.19%); highest among the groups gnomAD compares: Admixed American, 1.4%; 17 homozygotes.

Submissions (4):

Blueprint Genetics
Classification: Likely benign. Last evaluated: 2024-11-26. Review status: criteria provided, single submitter. Criteria: ACMG Guidelines, 2015. Collection method: clinical testing. Allele origin: germline.

Illumina Laboratory Services, Illumina
Classification: Likely benign for Papillon-Lefèvre syndrome. Last evaluated: 2018-01-13. Review status: criteria provided, single submitter. Criteria: ICSL Variant Classification Criteria 13 December 2019. Collection method: clinical testing. Allele origin: germline.
Comment: This variant was observed in the ICSL laboratory as part of a predisposition screen in an ostensibly healthy population. It had not been previously curated by ICSL or reported in the Human Gene Mutation Database (HGMD: prior to June 1st, 2018), and was therefore a candidate for classification through an automated scoring system. Utilizing variant allele frequency, disease prevalence and penetrance estimates, and inheritance mode, an automated score was calculated to assess if this variant is too frequent to cause the disease. Based on the score and internal cut-off values, a variant classified as likely benign is not then subjected to further curation. The score for this variant resulted in a classification of likely benign for this disease.

Illumina Laboratory Services, Illumina
Classification: Likely benign for Haim-Munk syndrome. Last evaluated: 2018-01-13. Review status: criteria provided, single submitter. Criteria: ICSL Variant Classification Criteria 13 December 2019. Collection method: clinical testing. Allele origin: germline.
Comment: the same text as in the submission from Illumina Laboratory Services, Illumina above.

Breakthrough Genomics
Classification: Likely benign. Review status: criteria provided, single submitter. Criteria: ACMG Guidelines, 2015. Collection method: not provided. Allele origin: germline. Inheritance: Autosomal recessive inheritance. Affected: yes.

NM_001814.6(CTSC):c.-45C>G

Genes: CTSC (cathepsin C; minus strand), LOC130006572 (ATAC-STARR-seq lymphoblastoid active region 5382; plus strand). Cytogenetic location: 11q14.2.
Variant type: single nucleotide variant.
Coding change: c.-45C>G on transcript NM_001814.6 (MANE Select); 45 bases upstream of the start codon, C replaced by G.
Molecular consequence: 5 prime UTR variant.
Genome position (GRCh38, 1-based): chr11:88,337,717, G>C on the plus strand (C>G on the coding strand, the complement: CTSC is on the minus strand). VCF-style: chr11-88337717-G-C. GRCh37 (hg19) VCF-style: chr11-88070885-G-C.
Other names: c.-45C>G (NM_001114173.3, NM_148170.5, LRG_50t1).
Identifiers: ClinVar variation 306436 (VCV000306436.7), dbSNP rs181685520, ClinGen allele CA6220179.